The following is an entry in ClinVar:

ClinVar aggregate classification (germline): Uncertain significance (1 of 4 stars; one submission).

Submission:

Labcorp Genetics (formerly Invitae), Labcorp
Classification: Uncertain significance. Last evaluated: 2025-12-03. Review status: criteria provided, single submitter. Criteria: Invitae Variant Classification Sherloc (09022015). Collection method: clinical testing. Allele origin: germline.
Comment: This sequence change replaces histidine, which is basic and polar, with proline, which is neutral and non-polar, at codon 109 of the MAPKAPK3 protein (p.His109Pro). This variant is not present in population databases (gnomAD no frequency). This variant has not been reported in the literature in individuals affected with MAPKAPK3-related conditions. An algorithm developed to predict the effect of missense changes on protein structure and function (PolyPhen-2) suggests that this variant is likely to be tolerated. In summary, the available evidence is currently insufficient to determine the role of this variant in disease. Therefore, it has been classified as a Variant of Uncertain Significance.

NM_001243925.2(MAPKAPK3):c.326A>C (p.His109Pro)

Gene: MAPKAPK3 (MAPK activated protein kinase 3; plus strand). Cytogenetic location: 3p21.2.
Variant type: single nucleotide variant.
Coding change: c.326A>C on transcript NM_001243925.2 (MANE Select); coding-DNA position 326, A replaced by C.
Protein change: p.His109Pro; replaces histidine 109 with proline.
Molecular consequence: missense variant.
Genome position (GRCh38, 1-based): chr3:50,640,472, A>C. VCF-style: chr3-50640472-A-C. GRCh37 (hg19) VCF-style: chr3-50677903-A-C.
Other names: c.326A>C, p.His109Pro (NM_001243926.2, NM_004635.5); short protein forms H109P.
Identifiers: ClinVar variation 4732446 (VCV004732446.1).